The following is an entry in ClinVar:

ClinVar aggregate classification (germline): Uncertain significance (1 of 4 stars; one submission).

Allele frequency attached by ClinVar (database versions not stated): gnomAD exomes below 0.00001.
gnomAD v4.1: 4 of 1,614,182 alleles (0.00025%); highest among the groups gnomAD compares: Non-Finnish European, 0.00034%; no homozygotes.

Submission:

GeneDx
Classification: Uncertain significance. Last evaluated: 2024-11-11. Review status: criteria provided, single submitter. Criteria: GeneDx Variant Classification Process June 2021. Collection method: clinical testing. Allele origin: germline.
Comment: Not observed at significant frequency in large population cohorts (gnomAD); In silico analysis supports a deleterious effect on splicing; Has not been previously published as pathogenic or benign to our knowledge

NM_004408.4(DNM1):c.933G>A (p.Val311=)

Gene: DNM1 (dynamin 1; plus strand). Cytogenetic location: 9q34.11.
Variant type: single nucleotide variant.
Coding change: c.933G>A on transcript NM_004408.4 (MANE Select); coding-DNA position 933, G replaced by A.
Protein change: p.Val311=; no amino-acid change (valine 311 retained).
Molecular consequence: synonymous variant.
Genome position (GRCh38, 1-based): chr9:128,222,280, G>A. VCF-style: chr9-128222280-G-A. GRCh37 (hg19) VCF-style: chr9-130984559-G-A.
Other names: c.933G>A, p.Val311= (NM_001005336.3, NM_001288737.2, NM_001288738.2 and 2 more transcripts).
Identifiers: ClinVar variation 2499424 (VCV002499424.2), dbSNP rs2538996411, ClinGen allele CA467481588.